The following is an entry in ClinVar:

ClinVar aggregate classification (germline): Uncertain significance (1 of 4 stars; one submission).

Conditions:
T-B+ severe combined immunodeficiency due to JAK3 deficiency. Also called: SCID, autosomal recessive, T-negative/B-positive type; SCID, T CELL-NEGATIVE, B CELL-POSITIVE, NK CELL-NEGATIVE. Identifiers: Orphanet 35078, MedGen C1833275, MONDO:0010938, OMIM 600802.

Submission:

Labcorp Genetics (formerly Invitae), Labcorp
Classification: Uncertain significance for T-B+ severe combined immunodeficiency due to JAK3 deficiency. Last evaluated: 2022-05-27. Review status: criteria provided, single submitter. Criteria: Invitae Variant Classification Sherloc (09022015). Collection method: clinical testing. Allele origin: germline.
Comment: This variant has not been reported in the literature in individuals affected with JAK3-related conditions. Advanced modeling of protein sequence and biophysical properties (such as structural, functional, and spatial information, amino acid conservation, physicochemical variation, residue mobility, and thermodynamic stability) performed at Invitae indicates that this missense variant is not expected to disrupt JAK3 protein function. In summary, the available evidence is currently insufficient to determine the role of this variant in disease. Therefore, it has been classified as a Variant of Uncertain Significance. This variant is not present in population databases (gnomAD no frequency). This sequence change replaces serine, which is neutral and polar, with glycine, which is neutral and non-polar, at codon 907 of the JAK3 protein (p.Ser907Gly).

NM_000215.4(JAK3):c.2719A>G (p.Ser907Gly)

Gene: JAK3 (Janus kinase 3; minus strand). Cytogenetic location: 19p13.11.
Variant type: single nucleotide variant.
Coding change: c.2719A>G on transcript NM_000215.4 (MANE Select); coding-DNA position 2719, A replaced by G.
Protein change: p.Ser907Gly; replaces serine 907 with glycine.
Molecular consequence: missense variant.
Genome position (GRCh38, 1-based): chr19:17,831,760, T>C on the plus strand (A>G on the coding strand, the complement: JAK3 is on the minus strand). VCF-style: chr19-17831760-T-C. GRCh37 (hg19) VCF-style: chr19-17942569-T-C.
Other names: short protein forms S907G.
Identifiers: ClinVar variation 1356768 (VCV001356768.8), dbSNP rs1259843283, ClinGen allele CA404765698.